The following is an entry in ClinVar:

NM_001453.3(FOXC1):c.330C>G (p.Asp110Glu)

Gene: FOXC1 (forkhead box C1; plus strand). Cytogenetic location: 6p25.3.
Variant type: single nucleotide variant.
Coding change: c.330C>G on transcript NM_001453.3 (MANE Select); coding-DNA position 330, C replaced by G.
Protein change: p.Asp110Glu; replaces aspartic acid 110 with glutamic acid.
Molecular consequence: missense variant.
Genome position (GRCh38, 1-based): chr6:1,610,775, C>G. VCF-style: chr6-1610775-C-G. GRCh37 (hg19) VCF-style: chr6-1611010-C-G.
Other names: short protein forms D110E.
Identifiers: ClinVar variation 3279507 (VCV003279507.2).
Genomic context (GRCh38, chr6:1,610,775, plus strand): 5'-CATCCAGAACGCCCCGGACAAGAAGATCACCCTGAACGGCATCTACCAGTTCATCATGGA[C>G]CGCTTCCCCTTCTACCGGGACAACAAGCAGGGCTGGCAGAACAGCATCCGCCACAACCTC-3'
Protein context (NP_001444.2, residues 100-120): TLNGIYQFIM[Asp110Glu]RFPFYRDNKQ

ClinVar aggregate classification (germline): Uncertain significance. Review status: criteria provided, multiple submitters, no conflicts (2 of 4 stars). 2 submissions from 2 submitters: Uncertain significance (2). Last evaluated 2026-04-12.

Conditions:
FOXC1-related disorder. Also called: FOXC1-related condition.
Inborn genetic diseases. Identifiers: MedGen C0950123, MeSH D030342.

Submissions (2):

PreventionGenetics, part of Exact Sciences
Classification: Uncertain significance for FOXC1-related condition. Last evaluated: 2026-04-12. Review status: criteria provided, single submitter. Criteria: ACMG Guidelines, 2015. Collection method: clinical testing. Allele origin: germline.
Comment: The FOXC1 c.330C>G variant is predicted to result in the amino acid substitution p.Asp110Glu. To our knowledge, this variant has not been reported in the literature. This variant is reported in 0.028% of alleles in individuals of African descent in gnomAD. Although we suspect that this variant may be benign, at this time, the clinical significance of this variant is uncertain due to the absence of conclusive functional and genetic evidence.

Ambry Genetics
Classification: Uncertain significance for Inborn genetic diseases. Last evaluated: 2024-03-30. Review status: criteria provided, single submitter. Criteria: Ambry Variant Classification Scheme 2023. Collection method: clinical testing. Allele origin: germline.